The following is an entry in ClinVar:

ClinVar aggregate classification (germline): Uncertain significance. Review status: criteria provided, multiple submitters, no conflicts (2 of 4 stars). 2 submissions from 2 submitters: Uncertain significance (2). Last evaluated 2023-11-21.

Conditions:
Hereditary cancer-predisposing syndrome. Also called: Neoplastic Syndromes, Hereditary; Hereditary Cancer Syndrome; Hereditary neoplastic syndrome; Tumor predisposition. Identifiers: Orphanet 140162, MedGen C0027672, MeSH D009386, MONDO:0015356.

Submissions (2):

GeneDx
Classification: Uncertain significance. Last evaluated: 2023-11-21. Review status: criteria provided, single submitter. Criteria: GeneDx Variant Classification Process June 2021. Collection method: clinical testing. Allele origin: germline. Affected: yes.
Comment: Not observed at significant frequency in large population cohorts (gnomAD); In silico analysis supports that this missense variant does not alter protein structure/function; Has not been previously published as pathogenic or benign to our knowledge

Ambry Genetics
Classification: Uncertain significance for Hereditary cancer-predisposing syndrome. Last evaluated: 2023-06-03. Review status: criteria provided, single submitter. Criteria: Ambry Variant Classification Scheme 2023. Collection method: clinical testing. Allele origin: germline.
Comment: The p.L962M variant (also known as c.2884C>A), located in coding exon 17 of the ALK gene, results from a C to A substitution at nucleotide position 2884. The leucine at codon 962 is replaced by methionine, an amino acid with highly similar properties. This amino acid position is conserved. In addition, this alteration is predicted to be tolerated by in silico analysis. Since supporting evidence is limited at this time, the clinical significance of this alteration remains unclear.

NM_004304.5(ALK):c.2884C>A (p.Leu962Met)

Gene: ALK (ALK receptor tyrosine kinase; minus strand). Cytogenetic location: 2p23.2.
Variant type: single nucleotide variant.
Coding change: c.2884C>A on transcript NM_004304.5 (MANE Select); coding-DNA position 2884, C replaced by A.
Protein change: p.Leu962Met; replaces leucine 962 with methionine.
Molecular consequence: missense variant.
Genome position (GRCh38, 1-based): chr2:29,227,604, G>T on the plus strand (C>A on the coding strand, the complement: ALK is on the minus strand). VCF-style: chr2-29227604-G-T. GRCh37 (hg19) VCF-style: chr2-29450470-G-T.
Other names: short protein forms L962M.
Identifiers: ClinVar variation 2562260 (VCV002562260.3), dbSNP rs2465973466, ClinGen allele CA346468399.